The following is an entry in ClinVar:

NM_022489.4(INF2):c.26G>C (p.Arg9Pro)

Gene: INF2 (inverted formin 2; plus strand). Cytogenetic location: 14q32.33.
Variant type: single nucleotide variant.
Coding change: c.26G>C on transcript NM_022489.4 (MANE Select); coding-DNA position 26, G replaced by C.
Protein change: p.Arg9Pro; replaces arginine 9 with proline.
Molecular consequence: missense variant.
Genome position (GRCh38, 1-based): chr14:104,701,391, G>C. VCF-style: chr14-104701391-G-C. GRCh37 (hg19) VCF-style: chr14-105167728-G-C.
Other names: c.26G>C, p.Arg9Pro (NM_001031714.4, NM_032714.3); short protein forms R9P.
Identifiers: ClinVar variation 1950794 (VCV001950794.5), dbSNP rs529349803, ClinGen allele CA391224392.
Genomic context (GRCh38, chr14:104,701,391, plus strand): 5'-GACGGCTCCCTGCCCTCTGCCTGCAGCTCGGCAAGATGTCGGTGAAGGAGGGCGCACAGC[G>C]CAAGTGGGCAGCGCTGAAGGAGAAGCTGGGGCCACAGGATTCGGACCCCACGGAGGCCAA-3'
Protein context (NP_071934.3, residues 1-19): MSVKEGAQ[Arg9Pro]KWAALKEKLG

ClinVar aggregate classification (germline): Uncertain significance (1 of 4 stars; one submission).

Conditions:
Focal segmental glomerulosclerosis 5 (FSGS5). Identifiers: Orphanet 656, MedGen C2750475, MONDO:0013191, OMIM 613237.
Charcot-Marie-Tooth disease dominant intermediate E. Also called: CHARCOT-MARIE-TOOTH NEUROPATHY WITH FOCAL SEGMENTAL GLOMERULONEPHRITIS. Identifiers: Orphanet 93114, MedGen C4302667, MONDO:0013758, OMIM 614455.

gnomAD v4.1: 2 of 1,590,604 alleles (0.00013%); highest among the groups gnomAD compares: Non-Finnish European, 0.00017%; no homozygotes.

Submission:

Labcorp Genetics (formerly Invitae), Labcorp
Classification: Uncertain significance for Charcot-Marie-Tooth disease dominant intermediate E; Focal segmental glomerulosclerosis 5. Last evaluated: 2022-03-31. Review status: criteria provided, single submitter. Criteria: Invitae Variant Classification Sherloc (09022015). Collection method: clinical testing. Allele origin: germline.
Comment: This sequence change replaces arginine, which is basic and polar, with proline, which is neutral and non-polar, at codon 9 of the INF2 protein (p.Arg9Pro). This variant is not present in population databases (gnomAD no frequency). This variant has not been reported in the literature in individuals affected with INF2-related conditions. Algorithms developed to predict the effect of missense changes on protein structure and function are either unavailable or do not agree on the potential impact of this missense change (SIFT: "Tolerated"; PolyPhen-2: "Probably Damaging"; Align-GVGD: "Class C0"). In summary, the available evidence is currently insufficient to determine the role of this variant in disease. Therefore, it has been classified as a Variant of Uncertain Significance.